The following is an entry in ClinVar:

NM_001278512.2(AP3B2):c.1321G>C (p.Gly441Arg)

Genes: AP3B2 (adaptor related protein complex 3 subunit beta 2; minus strand), CPEB1-AS1 (CPEB1 antisense RNA 1; plus strand). Cytogenetic location: 15q25.2.
Variant type: single nucleotide variant.
Coding change: c.1321G>C on transcript NM_001278512.2 (MANE Select); coding-DNA position 1321, G replaced by C.
Protein change: p.Gly441Arg; replaces glycine 441 with arginine.
Molecular consequence: missense variant.
Genome position (GRCh38, 1-based): chr15:82,677,728, C>G on the plus strand (G>C on the coding strand, the complement: AP3B2 is on the minus strand). VCF-style: chr15-82677728-C-G. GRCh37 (hg19) VCF-style: chr15-83346480-C-G.
Other names: c.1225G>C, p.Gly409Arg (NM_001278511.2); c.1321G>C, p.Gly441Arg (NM_004644.5); short protein forms G441R, G409R.
Identifiers: ClinVar variation 2077135 (VCV002077135.4), dbSNP rs1297553338, ClinGen allele CA393316768.

ClinVar aggregate classification (germline): Uncertain significance (1 of 4 stars; one submission).

Submission:

Labcorp Genetics (formerly Invitae), Labcorp
Classification: Uncertain significance. Last evaluated: 2023-11-27. Review status: criteria provided, single submitter. Criteria: Invitae Variant Classification Sherloc (09022015). Collection method: clinical testing. Allele origin: germline.
Comment: This sequence change replaces glycine, which is neutral and non-polar, with arginine, which is basic and polar, at codon 441 of the AP3B2 protein (p.Gly441Arg). This variant is not present in population databases (gnomAD no frequency). This variant has not been reported in the literature in individuals affected with AP3B2-related conditions. ClinVar contains an entry for this variant (Variation ID: 2077135). An algorithm developed to predict the effect of missense changes on protein structure and function (PolyPhen-2) suggests that this variant is likely to be tolerated. In summary, the available evidence is currently insufficient to determine the role of this variant in disease. Therefore, it has been classified as a Variant of Uncertain Significance.